The following is an entry in ClinVar:

ClinVar aggregate classification (germline): Likely benign (0 of 4 stars; one submission).

Conditions:
MYO18A-related disorder. Also called: MYO18A-related condition.

gnomAD v4.1: 21 of 1,609,834 alleles (0.0013%); highest among the groups gnomAD compares: Middle Eastern, 0.017%; no homozygotes.

Submission:

PreventionGenetics, part of Exact Sciences
Classification: Likely benign for MYO18A-related condition. Last evaluated: 2024-08-16. Review status: no assertion criteria provided. Collection method: clinical testing. Allele origin: germline.
Comment: This variant is classified as likely benign based on ACMG/AMP sequence variant interpretation guidelines (Richards et al. 2015 PMID: 25741868, with internal and published modifications).

NM_078471.4(MYO18A):c.3228G>A (p.Ser1076=)

Gene: MYO18A (myosin XVIIIA; minus strand). Cytogenetic location: 17q11.2.
Variant type: single nucleotide variant.
Coding change: c.3228G>A on transcript NM_078471.4 (MANE Select); coding-DNA position 3228, G replaced by A.
Protein change: p.Ser1076=; no amino-acid change (serine 1076 retained).
Molecular consequence: synonymous variant.
Genome position (GRCh38, 1-based): chr17:29,109,961, C>T on the plus strand (G>A on the coding strand, the complement: MYO18A is on the minus strand). VCF-style: chr17-29109961-C-T. GRCh37 (hg19) VCF-style: chr17-27436979-C-T.
Other names: c.3285G>A, p.Ser1095= (NM_001346765.2); c.3264G>A, p.Ser1088= (NM_001346766.2); c.3228G>A, p.Ser1076= (NM_001346767.2, NM_203318.2); c.1854G>A, p.Ser618= (NM_001346768.2).
Identifiers: ClinVar variation 3350774 (VCV003350774.1).